The following is an entry in ClinVar:

ClinVar aggregate classification (germline): Pathogenic/Likely pathogenic. Review status: criteria provided, multiple submitters, no conflicts (2 of 4 stars). 2 submissions from 2 submitters: Pathogenic (1); Likely pathogenic (1). Last evaluated 2026-09-01.

Conditions:
Severe X-linked myotubular myopathy (CNMX). Also called: Myotubular myopathy, X-linked; X-linked centronuclear myopathy; MYOTUBULAR MYOPATHY 1. Identifiers: Orphanet 596, MedGen C0410203, MONDO:0010683, OMIM 310400.

Submissions (2):

CeGaT Center for Human Genetics Tuebingen
Classification: Pathogenic. Last evaluated: 2026-09-01. Review status: criteria provided, single submitter. Criteria: CeGaT Center For Human Genetics Tuebingen Variant Classification Criteria Version 2. Collection method: clinical testing. Allele origin: germline. Affected: yes. Observed: 1 variant allele.
Comment: MTM1: PVS1, PM2

Fulgent Genetics
Classification: Likely pathogenic for Severe X-linked myotubular myopathy. Last evaluated: 2024-03-08. Review status: criteria provided, single submitter. Criteria: ACMG Guidelines, 2015. Collection method: clinical testing. Allele origin: germline.

NM_000252.3(MTM1):c.492G>A (p.Trp164Ter)

Gene: MTM1 (myotubularin 1; plus strand). Cytogenetic location: Xq28.
Variant type: single nucleotide variant.
Coding change: c.492G>A on transcript NM_000252.3 (MANE Select); coding-DNA position 492, G replaced by A.
Protein change: p.Trp164Ter; replaces tryptophan 164 with a stop codon.
Molecular consequence: nonsense.
Genome position (GRCh38, 1-based): chrX:150,638,990, G>A. VCF-style: chrX-150638990-G-A. GRCh37 (hg19) VCF-style: chrX-149807463-G-A.
Other names: c.492G>A, p.Trp164Ter (NM_001376906.1, NM_001376908.1); c.381G>A, p.Trp127Ter (NM_001376907.1); short protein forms W164*, W127*.
Identifiers: ClinVar variation 3598145 (VCV003598145.2).